The following is an entry in ClinVar:

NM_000432.4(MYL2):c.347C>T (p.Ala116Val)

Gene: MYL2 (myosin light chain 2; minus strand). Cytogenetic location: 12q24.11.
Variant type: single nucleotide variant.
Coding change: c.347C>T on transcript NM_000432.4 (MANE Select); coding-DNA position 347, C replaced by T.
Protein change: p.Ala116Val; replaces alanine 116 with valine.
Molecular consequence: missense variant.
Genome position (GRCh38, 1-based): chr12:110,913,252, G>A on the plus strand (C>T on the coding strand, the complement: MYL2 is on the minus strand). VCF-style: chr12-110913252-G-A. GRCh37 (hg19) VCF-style: chr12-111351056-G-A.
Other names: short protein forms A116V.
Identifiers: ClinVar variation 568234 (VCV000568234.19), dbSNP rs1566148270, ClinGen allele CA386697876.

ClinVar aggregate classification (germline): Uncertain significance. Review status: criteria provided, multiple submitters, no conflicts (2 of 4 stars). 5 submissions from 5 submitters: Uncertain significance (5). Last evaluated 2025-06-02.

Conditions:
Cardiovascular phenotype. Identifiers: MedGen CN230736.
Cardiomyopathy (CMYO). Also called: Cardiomyopathies. Identifiers: Orphanet 167848, MedGen C0878544, MONDO:0004994, HP:0001638. Inheritance: Various modes of inheritance.
Hypertrophic cardiomyopathy 10. Also called: MYL2-Related Familial Hypertrophic Cardiomyopathy; CARDIOMYOPATHY, HYPERTROPHIC, MID-LEFT VENTRICULAR CHAMBER TYPE, 2. Identifiers: MedGen C1834460, MONDO:0012112, OMIM 608758.
Hypertrophic cardiomyopathy. Also called: HYPERTROPHIC MYOCARDIOPATHY. Identifiers: Orphanet 217569, MedGen C0007194, MeSH D002312, MONDO:0005045, HP:0001639.

Allele frequency attached by ClinVar (database versions not stated): gnomAD exomes 0.00001.
gnomAD v4.1: 3 of 1,614,230 alleles (0.00019%); highest among the groups gnomAD compares: Non-Finnish European, 0.00025%; no homozygotes.

Submissions (5):

Color Diagnostics, LLC DBA Color Health
Classification: Uncertain significance for Cardiomyopathy. Last evaluated: 2025-06-02. Review status: criteria provided, single submitter. Criteria: ACMG Guidelines, 2015. Collection method: clinical testing. Allele origin: germline.
Comment: This missense variant replaces alanine with valine at codon 116 of the MYL2 protein. Computational prediction suggests that this variant may not impact protein structure and function. To our knowledge, functional studies have not been reported for this variant. This variant has not been reported in individuals affected with MYL2-related disorders in the literature. This variant has not been identified in the general population by the Genome Aggregation Database (gnomAD). The available evidence is insufficient to determine the role of this variant in disease conclusively. Therefore, this variant is classified as a Variant of Uncertain Significance.

Labcorp Genetics (formerly Invitae), Labcorp
Classification: Uncertain significance for Hypertrophic cardiomyopathy 10. Last evaluated: 2024-06-03. Review status: criteria provided, single submitter. Criteria: Invitae Variant Classification Sherloc (09022015). Collection method: clinical testing. Allele origin: germline.
Comment: This sequence change replaces alanine, which is neutral and non-polar, with valine, which is neutral and non-polar, at codon 116 of the MYL2 protein (p.Ala116Val). This variant is not present in population databases (gnomAD no frequency). This variant has not been reported in the literature in individuals affected with MYL2-related conditions. ClinVar contains an entry for this variant (Variation ID: 568234). An algorithm developed to predict the effect of missense changes on protein structure and function (PolyPhen-2) suggests that this variant is likely to be disruptive. Algorithms developed to predict the effect of sequence changes on RNA splicing suggest that this variant may create or strengthen a splice site. In summary, the available evidence is currently insufficient to determine the role of this variant in disease. Therefore, it has been classified as a Variant of Uncertain Significance.

Ambry Genetics
Classification: Uncertain significance for Cardiovascular phenotype. Last evaluated: 2024-03-24. Review status: criteria provided, single submitter. Criteria: Ambry Variant Classification Scheme 2023. Collection method: clinical testing. Allele origin: germline.
Comment: The p.A116V variant (also known as c.347C>T), located in coding exon 5 of the MYL2 gene, results from a C to T substitution at nucleotide position 347. The alanine at codon 116 is replaced by valine, an amino acid with similar properties. This amino acid position is not well conserved in available vertebrate species. In addition, this alteration is predicted to be tolerated by in silico analysis. Since supporting evidence is limited at this time, the clinical significance of this alteration remains unclear.

All of Us Research Program, National Institutes of Health
Classification: Uncertain significance for Hypertrophic cardiomyopathy. Last evaluated: 2024-01-11. Review status: criteria provided, single submitter. Criteria: ACMG Guidelines, 2015. Collection method: clinical testing. Allele origin: germline. Inheritance: Autosomal dominant inheritance. Observed: 4 variant alleles, 4 heterozygotes.
Comment: This missense variant replaces alanine with valine at codon 116 of the MYL2 protein. Computational prediction suggests that this variant may not impact protein structure and function (internally defined REVEL score threshold <= 0.5, PMID: 27666373). To our knowledge, functional studies have not been reported for this variant. This variant has not been reported in individuals affected with cardiovascular disorders in the literature. This variant has not been identified in the general population by the Genome Aggregation Database (gnomAD). The available evidence is insufficient to determine the role of this variant in disease conclusively. Therefore, this variant is classified as a Variant of Uncertain Significance.

This study involves interpretation of variants in research participants for the purpose of population health screening. Participant phenotype was not available at the time of variant classification. Additional details can be found in publication PMID: 35346344, PMCID: PMC8962531

GeneDx
Classification: Uncertain significance. Last evaluated: 2022-05-31. Review status: criteria provided, single submitter. Criteria: GeneDx Variant Classification Process June 2021. Collection method: clinical testing. Allele origin: germline. Affected: yes.
Comment: Not observed in large population cohorts (gnomAD); In silico analysis supports that this missense variant does not alter protein structure/function; In silico analysis suggests this variant may impact gene splicing. In the absence of RNA/functional studies, the actual effect of this sequence change is unknown.; Has not been previously published as pathogenic or benign to our knowledge